The following is an entry in ClinVar:

NM_001166108.2(PALLD):c.1965-12811G>C

Gene: PALLD (palladin, cytoskeletal associated protein; plus strand). Cytogenetic location: 4q32.3.
Variant type: single nucleotide variant.
Coding change: c.1965-12811G>C on transcript NM_001166108.2 (MANE Select); 12811 bases into the intron before coding-DNA position 1965, G replaced by C.
Molecular consequence: intron variant. On other transcripts: missense variant (1).
Genome position (GRCh38, 1-based): chr4:168,878,111, G>C. VCF-style: chr4-168878111-G-C. GRCh37 (hg19) VCF-style: chr4-169799262-G-C.
Other names: c.220G>C, p.Gly74Arg (NM_001166110.2); c.1965-12811G>C (NM_016081.4); c.819-12811G>C (NM_001166109.2); c.-157-12811G>C (NM_001367570.1, NM_001367568.1, NM_001367567.1 and 1 more transcripts); short protein forms G74R.
Identifiers: ClinVar variation 4826079 (VCV004826079.1).
Genomic context (GRCh38, chr4:168,878,111, plus strand): 5'-ATGTCCCCGACGCCGAGGCAGTTCGGCCGCGCCCCCGTGCCGCCCTTCGCGCAGCCCTTC[G>C]GCGCTGAGCCCGAGGCCCCGTGGGGCTCCTCCTCGCCGTCGCCCCCGCCCCCGCCACCCC-3'

ClinVar aggregate classification (germline): Uncertain significance (1 of 4 stars; one submission).

gnomAD v4.1: 1 of 1,457,090 alleles (0.000069%); highest among the groups gnomAD compares: Non-Finnish European, 0.00009%; no homozygotes.

Submission:

Ambry Genetics
Classification: Uncertain significance. Last evaluated: 2026-03-14. Review status: criteria provided, single submitter. Criteria: Ambry Variant Classification Scheme 2023. Collection method: clinical testing. Allele origin: germline.
Comment: The p.G74R variant (also known as c.220G>C), located in coding exon 1 of the PALLD gene, results from a G to C substitution at nucleotide position 220. The glycine at codon 74 is replaced by arginine, an amino acid with dissimilar properties. This amino acid position is conserved. In addition, this alteration is predicted to be tolerated by in silico analysis. Based on the available evidence, the clinical significance of this variant remains unclear.